The following is an entry in ClinVar:

NM_003238.6(TGFB2):c.821A>C (p.Asn274Thr)

Gene: TGFB2 (transforming growth factor beta 2; plus strand). Cytogenetic location: 1q41.
Variant type: single nucleotide variant.
Coding change: c.821A>C on transcript NM_003238.6 (MANE Select); coding-DNA position 821, A replaced by C.
Protein change: p.Asn274Thr; replaces asparagine 274 with threonine.
Molecular consequence: missense variant.
Genome position (GRCh38, 1-based): chr1:218,436,036, A>C. VCF-style: chr1-218436036-A-C. GRCh37 (hg19) VCF-style: chr1-218609378-A-C.
Other names: c.905A>C, p.Asn302Thr (NM_001135599.4); short protein forms N302T, N274T.
Identifiers: ClinVar variation 948220 (VCV000948220.14), dbSNP rs559315266, ClinGen allele CA1398616.
Genomic context (GRCh38, chr1:218,436,036, plus strand): 5'-ATGGCACCTCCACATATACCAGTGGTGATCAGAAAACTATAAAGTCCACTAGGAAAAAAA[A>C]CAGTGGGAAGACCCCACATCTCCTGCTAATGTTATTGCCCTCCTACAGACTTGAGTCACA-3'
Protein context (NP_003229.1, residues 264-284): QKTIKSTRKK[Asn274Thr]SGKTPHLLLM

ClinVar aggregate classification (germline): Conflicting classifications of pathogenicity. Review status: criteria provided, conflicting classifications (1 of 4 stars). 2 submissions from 2 submitters: Uncertain significance (1); Likely benign (1). Last evaluated 2025-05-12.

Conditions:
Familial thoracic aortic aneurysm and aortic dissection (TAAD). Also called: Thoracic aortic aneurysms and dissections. Identifiers: Orphanet 91387, MedGen C4707243, MONDO:0019625.
Loeys-Dietz syndrome 4 (LDS4). Also called: ANEURYSM, AORTIC AND CEREBRAL, WITH ARTERIAL TORTUOSITY AND SKELETAL MANIFESTATIONS; TGFB2-Related Loeys-Dietz Syndrome. Identifiers: MedGen C3553762, MONDO:0013897, OMIM 614816.

Allele frequency attached by ClinVar (database versions not stated): gnomAD exomes below 0.00001; gnomAD 0.00001; TOPMed 0.00001; ExAC 0.00002; 1000 Genomes Project 0.00040; 1000 Genomes Project 30x 0.00047.
gnomAD v4.1: 13 of 1,614,166 alleles (0.00081%); highest among the groups gnomAD compares: African/African-American, 0.0027%; 1 homozygote.

Submissions (2):

Labcorp Genetics (formerly Invitae), Labcorp
Classification: Uncertain significance for Loeys-Dietz syndrome 4. Last evaluated: 2025-05-12. Review status: criteria provided, single submitter. Criteria: Invitae Variant Classification Sherloc (09022015). Collection method: clinical testing. Allele origin: germline.
Comment: This sequence change replaces asparagine, which is neutral and polar, with threonine, which is neutral and polar, at codon 274 of the TGFB2 protein (p.Asn274Thr). This variant is present in population databases (rs559315266, gnomAD 0.0009%). This variant has not been reported in the literature in individuals affected with TGFB2-related conditions. ClinVar contains an entry for this variant (Variation ID: 948220). Invitae Evidence Modeling of protein sequence and biophysical properties (such as structural, functional, and spatial information, amino acid conservation, physicochemical variation, residue mobility, and thermodynamic stability) indicates that this missense variant is not expected to disrupt TGFB2 protein function with a negative predictive value of 95%. In summary, the available evidence is currently insufficient to determine the role of this variant in disease. Therefore, it has been classified as a Variant of Uncertain Significance.

Ambry Genetics
Classification: Likely benign for Familial thoracic aortic aneurysm and aortic dissection. Last evaluated: 2024-11-22. Review status: criteria provided, single submitter. Criteria: Ambry Variant Classification Scheme 2023. Collection method: clinical testing. Allele origin: germline.